The following is an entry in ClinVar:

ClinVar aggregate classification (germline): Likely benign (1 of 4 stars; one submission).

Submission:

CeGaT Center for Human Genetics Tuebingen
Classification: Likely benign. Last evaluated: 2024-08-01. Review status: criteria provided, single submitter. Criteria: CeGaT Center For Human Genetics Tuebingen Variant Classification Criteria Version 2. Collection method: clinical testing. Allele origin: germline. Affected: yes. Observed: 1 variant allele.
Comment: SRCAP: PM2:Supporting, BP4, BP7

NM_006662.3(SRCAP):c.1662G>A (p.Leu554=)

Gene: SRCAP (Snf2 related CREBBP activator protein; plus strand). Cytogenetic location: 16p11.2.
Variant type: single nucleotide variant.
Coding change: c.1662G>A on transcript NM_006662.3 (MANE Select); coding-DNA position 1662, G replaced by A.
Protein change: p.Leu554=; no amino-acid change (leucine 554 retained).
Molecular consequence: synonymous variant.
Genome position (GRCh38, 1-based): chr16:30,712,004, G>A. VCF-style: chr16-30712004-G-A. GRCh37 (hg19) VCF-style: chr16-30723325-G-A.
Identifiers: ClinVar variation 3342163 (VCV003342163.16).